The following is an entry in ClinVar:

ClinVar aggregate classification (germline): Likely pathogenic (1 of 4 stars; one submission).

Submission:

Labcorp Genetics (formerly Invitae), Labcorp
Classification: Likely pathogenic. Last evaluated: 2019-07-05. Review status: criteria provided, single submitter. Criteria: Invitae Variant Classification Sherloc (09022015). Collection method: clinical testing. Allele origin: germline.
Comment: In summary, the currently available evidence indicates that the variant is pathogenic, but additional data are needed to prove that conclusively. Therefore, this variant has been classified as Likely Pathogenic. Loss-of-function variants in PRKN are known to be pathogenic (PMID: 10072423, 20301651, 22956510). This variant has not been reported in the literature in individuals with PRKN-related conditions. This variant results in a copy number gain of the genomic region encompassing exons 4-6 of the PRKN gene. While the exact position of this variant cannot be determined from this data, sub-genic copy number gains are generally in tandem (PMID: 25640679) and may result in an absent or disrupted protein product.

Literature cited by the submitters: PubMed 10072423; PubMed 20301651; PubMed 22956510; PubMed 25640679.

NC_000006.12:g.(?_161973292)_(162201262_?)dup

Gene: PRKN (parkin RBR E3 ubiquitin protein ligase; minus strand). Cytogenetic location: 6q26.
Variant type: Duplication.
Identifiers: ClinVar variation 830456 (VCV000830456.5).